The following is an entry in ClinVar:

ClinVar aggregate classification (germline): Benign/Likely benign. Review status: criteria provided, multiple submitters, no conflicts (2 of 4 stars). 4 submissions from 4 submitters: Benign (1); Likely benign (3). Last evaluated 2026-01-05.

Allele frequency attached by ClinVar (database versions not stated): gnomAD exomes 0.00045 and 0.00100; gnomAD 0.00048 and 0.00050; TOPMed 0.00054; ExAC 0.00073; ESP Exome Variant Server 0.00085.
gnomAD v4.1: 797 of 1,613,848 alleles (0.049%); highest among the groups gnomAD compares: Admixed American, 0.032%; 6 homozygotes.

Submissions (4):

Labcorp Genetics (formerly Invitae), Labcorp
Classification: Benign. Last evaluated: 2026-01-05. Review status: criteria provided, single submitter. Criteria: Invitae Variant Classification Sherloc (09022015). Collection method: clinical testing. Allele origin: germline.

Blueprint Genetics
Classification: Likely benign. Last evaluated: 2024-10-07. Review status: criteria provided, single submitter. Criteria: ACMG Guidelines, 2015. Collection method: clinical testing. Allele origin: germline.

GeneDx
Classification: Likely benign. Last evaluated: 2017-12-07. Review status: criteria provided, single submitter. Criteria: GeneDx Variant Classification (06012015). Collection method: clinical testing. Allele origin: germline. Affected: yes.
Comment: This variant is considered likely benign or benign based on one or more of the following criteria: it is a conservative change, it occurs at a poorly conserved position in the protein, it is predicted to be benign by multiple in silico algorithms, and/or has population frequency not consistent with disease.

Breakthrough Genomics
Classification: Likely benign. Review status: criteria provided, single submitter. Criteria: ACMG Guidelines, 2015. Collection method: not provided. Allele origin: germline. Inheritance: Autosomal recessive inheritance. Affected: yes.

NM_020442.6(VARS2):c.672-16A>C

Gene: VARS2 (valyl-tRNA synthetase 2, mitochondrial; plus strand). Cytogenetic location: 6p21.33.
Variant type: single nucleotide variant.
Coding change: c.672-16A>C on transcript NM_020442.6 (MANE Select); 16 bases into the intron before coding-DNA position 672, A replaced by C.
Molecular consequence: intron variant.
Genome position (GRCh38, 1-based): chr6:30,916,862, A>C. VCF-style: chr6-30916862-A-C. GRCh37 (hg19) VCF-style: chr6-30884639-A-C.
Other names: c.762-16A>C (NM_001167734.2); c.252-16A>C (NM_001167733.3).
Identifiers: ClinVar variation 513611 (VCV000513611.10), dbSNP rs202118530, ClinGen allele CA3705695.
Genomic context (GRCh38, chr6:30,916,862, plus strand): 5'-GCTGGGGGCATCGCTGGGCCTGGTACATAGGAAGTGCTTGGGAAGTGTTTGCTGACAAGG[A>C]TCTCTCTGGGCACAGGAAAGGTGGAGAGATCTGTGAGCAGCTGCGAGCTCTGGGTGCCTC-3'